The following is an entry in ClinVar:

ClinVar aggregate classification (germline): Uncertain significance (1 of 4 stars; one submission).

Submission:

Women's Health and Genetics/Laboratory Corporation of America, LabCorp
Classification: Uncertain significance. Last evaluated: 2022-02-17. Review status: criteria provided, single submitter. Criteria: LabCorp Variant Classification Summary - May 2015. Collection method: clinical testing. Allele origin: germline.
Comment: Variant summary: ACADM c.631C>T (p.Pro211Ser) results in a non-conservative amino acid change located in the Acyl-CoA oxidase/dehydrogenase, central domain (IPR006091) of the encoded protein sequence. Three of five in-silico tools predict a damaging effect of the variant on protein function. The variant was absent in 251406 control chromosomes. The available data on variant occurrences in the general population are insufficient to allow any conclusion about variant significance. c.631C>T has been reported in the literature in at-least two individuals affected with Medium Chain Acyl-CoA Dehydrogenase Deficiency attributed to compound heterozygosity or homozygosity for two other pathogenic variants in the ACADM gene, and/or at-least one individual with a co-existing diagnosis of a mitochondrial encephelopathy (example, McKinney_2004, Longo_2008, Andresen_2012). These report(s) do not provide unequivocal conclusions about association of the variant with Medium Chain Acyl-CoA Dehydrogenase Deficiency. The two co-occurrences with other pathogenic variant(s) and/or a co-existing diagnosis that have been reported are, ACADM c.233T>C, p.Ile78Thr (McKinney_2004, Longo_2008, Andresen_2008) and mitochondrial DNA variant c.3243A>T, that alters tRNA-Leu causing mitochondrial encephalopathy with lactic acidosis and stroke like episodes (MELAS, Longo_2008). These reports provide supporting evidence for a benign role. To our knowledge, no variant specific experimental evidence demonstrating an impact on protein function has been reported. No clinical diagnostic laboratories have submitted clinical-significance assessments for this variant to ClinVar after 2014. Based on the evidence outlined above, the variant was classified as uncertain significance.

Literature cited by the submitters: PubMed 22542437; PubMed 15171998; PubMed 18203188.

NM_000016.6(ACADM):c.631C>T (p.Pro211Ser)

Gene: ACADM (acyl-CoA dehydrogenase medium chain; plus strand). Cytogenetic location: 1p31.1.
Variant type: single nucleotide variant.
Coding change: c.631C>T on transcript NM_000016.6 (MANE Select); coding-DNA position 631, C replaced by T.
Protein change: p.Pro211Ser; replaces proline 211 with serine.
Molecular consequence: missense variant.
Genome position (GRCh38, 1-based): chr1:75,745,837, C>T. VCF-style: chr1-75745837-C-T. GRCh37 (hg19) VCF-style: chr1-76211522-C-T.
Other names: c.643C>T, p.Pro215Ser (NM_001127328.3); c.523C>T, p.Pro175Ser (NM_001286042.2); c.730C>T, p.Pro244Ser (NM_001286043.2); c.64C>T, p.Pro22Ser (NM_001286044.2); short protein forms P175S, P211S, P215S, P22S, P244S.
Identifiers: ClinVar variation 1343460 (VCV001343460.1), dbSNP rs2100408048, ClinGen allele CA340815913.